The following is an entry in ClinVar:

NM_001379180.1(ESRRB):c.302C>T (p.Ala101Val)

Gene: ESRRB (estrogen related receptor beta; plus strand). Cytogenetic location: 14q24.3.
Variant type: single nucleotide variant.
Coding change: c.302C>T on transcript NM_001379180.1 (MANE Select); coding-DNA position 302, C replaced by T.
Protein change: p.Ala101Val; replaces alanine 101 with valine.
Molecular consequence: missense variant.
Genome position (GRCh38, 1-based): chr14:76,439,592, C>T. VCF-style: chr14-76439592-C-T. GRCh37 (hg19) VCF-style: chr14-76905935-C-T.
Other names: c.239C>T, p.Ala80Val (NM_004452.4); short protein forms A80V, A101V.
Identifiers: ClinVar variation 314483 (VCV000314483.9), dbSNP rs528723972, ClinGen allele CA7281543.

ClinVar aggregate classification (germline): Uncertain significance. Review status: criteria provided, multiple submitters, no conflicts (2 of 4 stars). 3 submissions from 3 submitters: Uncertain significance (3). Last evaluated 2025-06-07.

Conditions:
Autosomal recessive nonsyndromic hearing loss 35. Identifiers: Orphanet 90636, MedGen C1837857, MONDO:0012060, OMIM 608565.

Allele frequency attached by ClinVar (database versions not stated): gnomAD 0.00001; TOPMed 0.00001; gnomAD exomes 0.00004 and 0.00008; ExAC 0.00009; 1000 Genomes Project 30x 0.00016; 1000 Genomes Project 0.00020.
gnomAD v4.1: 61 of 1,614,194 alleles (0.0038%); highest among the groups gnomAD compares: South Asian, 0.066%; 1 homozygote.

Submissions (3):

Ambry Genetics
Classification: Uncertain significance. Last evaluated: 2025-06-07. Review status: criteria provided, single submitter. Criteria: Ambry Variant Classification Scheme 2023. Collection method: clinical testing. Allele origin: germline.

Illumina Laboratory Services, Illumina
Classification: Uncertain significance for Autosomal recessive nonsyndromic hearing loss 35. Last evaluated: 2018-01-12. Review status: criteria provided, single submitter. Criteria: ICSL Variant Classification Criteria 13 December 2019. Collection method: clinical testing. Allele origin: germline.

Laboratory for Molecular Medicine, Mass General Brigham Personalized Medicine
Classification: Uncertain significance. Last evaluated: 2017-12-14. Review status: criteria provided, single submitter. Criteria: LMM Criteria. Collection method: clinical testing. Allele origin: germline. Observed: 1 variant allele.
Comment: The p.Ala80Val variant in ESRRB has not been previously reported in individuals with hearing loss but has been identified in 19/30782 South Asian chromosomes by the Genome Aggregation Database (gnomAD; dbSN P rs528723972). It has also been reported in ClinVar (Variation ID: 314483). Alt hough this variant has been seen in the general population, its frequency is not high enough to rule out a pathogenic role. Computational prediction tools and c onservation analysis suggest that the p.Ala80Val variant may not impact the prot ein, though this information is not predictive enough to rule out pathogenicity. In summary, the clinical significance of the p.Ala80Val variant is uncertain. A CMG/AMP Criteria applied: BP4.